The following is an entry in ClinVar:

ClinVar aggregate classification (germline): Uncertain significance. Review status: criteria provided, multiple submitters, no conflicts (2 of 4 stars). 2 submissions from 2 submitters: Uncertain significance (2). Last evaluated 2024-04-09.

Conditions:
Autosomal dominant Parkinson disease 8. Also called: Parkinson disease 8, susceptibility to; LRRK2-Related Parkinson Disease; Parkinson disease 8. Identifiers: Orphanet 411602, MedGen C1846862, MONDO:0011764, OMIM 607060.
Inborn genetic diseases. Identifiers: MedGen C0950123, MeSH D030342.

gnomAD v4.1: 6 of 1,546,096 alleles (0.00039%); highest among the groups gnomAD compares: Non-Finnish European, 0.00053%; no homozygotes.

Submissions (2):

Ambry Genetics
Classification: Uncertain significance for Inborn genetic diseases. Last evaluated: 2024-04-09. Review status: criteria provided, single submitter. Criteria: Ambry Variant Classification Scheme 2023. Collection method: clinical testing. Allele origin: germline.
Comment: The p.R948G variant (also known as c.2842C>G), located in coding exon 22 of the LRRK2 gene, results from a C to G substitution at nucleotide position 2842. The arginine at codon 948 is replaced by glycine, an amino acid with dissimilar properties. This amino acid position is conserved. In addition, this alteration is predicted to be tolerated by in silico analysis. Based on the available evidence, the clinical significance of this variant remains unclear.

Labcorp Genetics (formerly Invitae), Labcorp
Classification: Uncertain significance for Autosomal dominant Parkinson disease 8. Last evaluated: 2023-11-22. Review status: criteria provided, single submitter. Criteria: Invitae Variant Classification Sherloc (09022015). Collection method: clinical testing. Allele origin: germline.
Comment: This sequence change replaces arginine, which is basic and polar, with glycine, which is neutral and non-polar, at codon 948 of the LRRK2 protein (p.Arg948Gly). This variant is not present in population databases (gnomAD no frequency). This variant has not been reported in the literature in individuals affected with LRRK2-related conditions. Advanced modeling of protein sequence and biophysical properties (such as structural, functional, and spatial information, amino acid conservation, physicochemical variation, residue mobility, and thermodynamic stability) performed at Invitae indicates that this missense variant is not expected to disrupt LRRK2 protein function with a negative predictive value of 80%. In summary, the available evidence is currently insufficient to determine the role of this variant in disease. Therefore, it has been classified as a Variant of Uncertain Significance.

NM_198578.4(LRRK2):c.2842C>G (p.Arg948Gly)

Gene: LRRK2 (leucine rich repeat kinase 2; plus strand). Cytogenetic location: 12q12.
Variant type: single nucleotide variant.
Coding change: c.2842C>G on transcript NM_198578.4 (MANE Select); coding-DNA position 2842, C replaced by G.
Protein change: p.Arg948Gly; replaces arginine 948 with glycine.
Molecular consequence: missense variant.
Genome position (GRCh38, 1-based): chr12:40,294,878, C>G. VCF-style: chr12-40294878-C-G. GRCh37 (hg19) VCF-style: chr12-40688680-C-G.
Other names: c.2842C>G (NM_198578.3); short protein forms R948G.
Identifiers: ClinVar variation 3015794 (VCV003015794.2), dbSNP rs766809708, ClinGen allele CA384412212.